The following is an entry in ClinVar:

ClinVar aggregate classification (germline): Uncertain significance (1 of 4 stars; one submission).

Conditions:
Charcot-Marie-Tooth disease type 2. Also called: Charcot-Marie-Tooth type 2. Identifiers: Orphanet 64746, MedGen C0270914, MONDO:0018993.

Allele frequency attached by ClinVar (database versions not stated): gnomAD exomes 0.00001; TOPMed below 0.00001; ExAC 0.00001; gnomAD 0.00001.
gnomAD v4.1: 11 of 1,605,934 alleles (0.00068%); highest among the groups gnomAD compares: Non-Finnish European, 0.00077%; no homozygotes.

Submission:

Labcorp Genetics (formerly Invitae), Labcorp
Classification: Uncertain significance for Charcot-Marie-Tooth disease type 2. Last evaluated: 2024-07-04. Review status: criteria provided, single submitter. Criteria: Invitae Variant Classification Sherloc (09022015). Collection method: clinical testing. Allele origin: germline.
Comment: This sequence change replaces isoleucine, which is neutral and non-polar, with threonine, which is neutral and polar, at codon 498 of the MFN2 protein (p.Ile498Thr). This variant is present in population databases (rs781077681, gnomAD 0.003%). This variant has not been reported in the literature in individuals affected with MFN2-related conditions. ClinVar contains an entry for this variant (Variation ID: 1935028). An algorithm developed to predict the effect of missense changes on protein structure and function (PolyPhen-2) suggests that this variant is likely to be disruptive. In summary, the available evidence is currently insufficient to determine the role of this variant in disease. Therefore, it has been classified as a Variant of Uncertain Significance.

NM_014874.4(MFN2):c.1493T>C (p.Ile498Thr)

Gene: MFN2 (mitofusin 2; plus strand). Cytogenetic location: 1p36.22.
Variant type: single nucleotide variant.
Coding change: c.1493T>C on transcript NM_014874.4 (MANE Select); coding-DNA position 1493, T replaced by C.
Protein change: p.Ile498Thr; replaces isoleucine 498 with threonine.
Molecular consequence: missense variant.
Genome position (GRCh38, 1-based): chr1:12,004,925, T>C. VCF-style: chr1-12004925-T-C. GRCh37 (hg19) VCF-style: chr1-12064982-T-C.
Other names: c.1493T>C, p.Ile498Thr (NM_001127660.2); short protein forms I498T.
Identifiers: ClinVar variation 1935028 (VCV001935028.5), dbSNP rs781077681, ClinGen allele CA599133.
Genomic context (GRCh38, chr1:12,004,925, plus strand): 5'-TGTCTGACCGCTGCTCCACGGCCATCACCAACTCCCTGCAGACCATGCAGCAGGACATGA[T>C]AGGTTAGTGCCCATGGGGAACTGGGCAGCTGTGGCCCTGGGCTGCCCAAAGATCAGATGC-3'
Protein context (NP_055689.1, residues 488-508): NSLQTMQQDM[Ile498Thr]DGLKPLLPVS